The following is an entry in ClinVar:

ClinVar aggregate classification (germline): Conflicting classifications of pathogenicity. Review status: criteria provided, conflicting classifications (1 of 4 stars). 3 submissions from 3 submitters: Uncertain significance (1); Likely benign (1). 1 of the submissions does not count toward it. Last evaluated 2025-11-14.

Conditions:
Inborn genetic diseases. Identifiers: MedGen C0950123, MeSH D030342.
ASXL1-related disorder. Also called: ASXL1-related condition; ASXL1-related disorders.

Allele frequency attached by ClinVar (database versions not stated): ExAC 0.00006; gnomAD 0.00007; TOPMed 0.00008; gnomAD exomes 0.00023; ESP Exome Variant Server 0.00038.

Submissions (3):

Labcorp Genetics (formerly Invitae), Labcorp
Classification: Uncertain significance. Last evaluated: 2025-11-14. Review status: criteria provided, single submitter. Criteria: Invitae Variant Classification Sherloc (09022015). Collection method: clinical testing. Allele origin: germline.
Comment: This sequence change replaces glutamic acid, which is acidic and polar, with glycine, which is neutral and non-polar, at codon 1416 of the ASXL1 protein (p.Glu1416Gly). This variant is present in population databases (rs146759903, gnomAD 0.02%). This variant has not been reported in the literature in individuals affected with ASXL1-related conditions. ClinVar contains an entry for this variant (Variation ID: 2194443). An algorithm developed to predict the effect of missense changes on protein structure and function (PolyPhen-2) suggests that this variant is likely to be disruptive. In summary, the available evidence is currently insufficient to determine the role of this variant in disease. Therefore, it has been classified as a Variant of Uncertain Significance.

Ambry Genetics
Classification: Likely benign for Inborn genetic diseases. Last evaluated: 2024-03-18. Review status: criteria provided, single submitter. Criteria: Ambry Variant Classification Scheme 2023. Collection method: clinical testing. Allele origin: germline.

PreventionGenetics, part of Exact Sciences
Classification: Likely benign for ASXL1-related condition. Last evaluated: 2019-05-31. Review status: no assertion criteria provided. Collection method: clinical testing. Allele origin: germline. Not counted in ClinVar's aggregate classification.
Comment: This variant is classified as likely benign based on ACMG/AMP sequence variant interpretation guidelines (Richards et al. 2015 PMID: 25741868, with internal and published modifications).

NM_015338.6(ASXL1):c.4247A>G (p.Glu1416Gly)

Gene: ASXL1 (ASXL transcriptional regulator 1; plus strand). Cytogenetic location: 20q11.21.
Variant type: single nucleotide variant.
Coding change: c.4247A>G on transcript NM_015338.6 (MANE Select); coding-DNA position 4247, A replaced by G.
Protein change: p.Glu1416Gly; replaces glutamic acid 1416 with glycine.
Molecular consequence: missense variant.
Genome position (GRCh38, 1-based): chr20:32,436,959, A>G. VCF-style: chr20-32436959-A-G. GRCh37 (hg19) VCF-style: chr20-31024762-A-G.
Other names: c.4064A>G, p.Glu1355Gly (NM_001363734.1); short protein forms E1416G, E1355G.
Identifiers: ClinVar variation 2194443 (VCV002194443.7), dbSNP rs146759903, ClinGen allele CA9808998.